The following is an entry in ClinVar:

NM_001370259.2(MEN1):c.1525G>T (p.Gly509Cys)

Gene: MEN1 (menin 1; minus strand). Cytogenetic location: 11q13.1.
Variant type: single nucleotide variant.
Coding change: c.1525G>T on transcript NM_001370259.2 (MANE Select); coding-DNA position 1525, G replaced by T.
Protein change: p.Gly509Cys; replaces glycine 509 with cysteine.
Molecular consequence: missense variant. On other transcripts: non-coding transcript variant (4).
Genome position (GRCh38, 1-based): chr11:64,804,642, C>A on the plus strand (G>T on the coding strand, the complement: MEN1 is on the minus strand). VCF-style: chr11-64804642-C-A. GRCh37 (hg19) VCF-style: chr11-64572114-C-A.
Other names: c.1651G>T, p.Gly551Cys (NM_001407144.1, NM_001370251.2, NM_001407142.1 and 1 more transcripts); c.1540G>T, p.Gly514Cys (NM_001407145.1, NM_000244.4, NM_130800.3 and 4 more transcripts); c.1525G>T, p.Gly509Cys (NM_001407146.1, NM_001407147.1, NM_001370260.2 and 2 more transcripts); c.1420G>T, p.Gly474Cys (NM_001407148.1, NM_001407149.1, NM_001370262.2 and 1 more transcripts); c.1666G>T, p.Gly556Cys (NM_001407150.1); c.1546G>T, p.Gly516Cys (NM_001407151.1); c.1360G>T, p.Gly454Cys (NM_001407152.1); short protein forms G454C, G509C, G556C, G474C, G516C, G551C, G514C.
Identifiers: ClinVar variation 2751410 (VCV002751410.4), dbSNP rs1941533809, ClinGen allele CA381178678.
Genomic context (GRCh38, chr11:64,804,642, plus strand): 5'-GGCCTCGGGCTGTGCCAGCGACAGTCCCAGGAGGCTTCCGGGGGGGTCCTGACACTGCAC[C>A]CTGGCCGGTGCCCAGGCCCTTGTCCAGTGCTGGCTTCTTGGGCGGCGGGGGCTCCTCTGG-3'
Protein context (NP_001357188.2, residues 499-519): ALDKGLGTGQ[Gly509Cys]AVSGPPRKPP

ClinVar aggregate classification (germline): Uncertain significance. Review status: criteria provided, multiple submitters, no conflicts (2 of 4 stars). 2 submissions from 2 submitters: Uncertain significance (2). Last evaluated 2024-03-04.

Conditions:
Hereditary cancer-predisposing syndrome. Also called: Hereditary Cancer Syndrome; Tumor predisposition; Hereditary neoplastic syndrome; Neoplastic Syndromes, Hereditary. Identifiers: Orphanet 140162, MedGen C0027672, MeSH D009386, MONDO:0015356.
Multiple endocrine neoplasia, type 1 (MEN1). Also called: MEN I; WERMER SYNDROME; Endocrine adenomatosis multiple; MEN 1; MEA I. Identifiers: Orphanet 652, MedGen C0025267, MeSH D018761, MONDO:0007540, OMIM 131100.

Submissions (2):

Ambry Genetics
Classification: Uncertain significance for Hereditary cancer-predisposing syndrome. Last evaluated: 2024-03-04. Review status: criteria provided, single submitter. Criteria: Ambry Variant Classification Scheme 2023. Collection method: clinical testing. Allele origin: germline.
Comment: The p.G509C variant (also known as c.1525G>T), located in coding exon 9 of the MEN1 gene, results from a G to T substitution at nucleotide position 1525. The glycine at codon 509 is replaced by cysteine, an amino acid with highly dissimilar properties. This amino acid position is conserved. In addition, the in silico prediction for this alteration is inconclusive. Based on the available evidence, the clinical significance of this alteration remains unclear.

Labcorp Genetics (formerly Invitae), Labcorp
Classification: Uncertain significance for Multiple endocrine neoplasia, type 1. Last evaluated: 2023-07-16. Review status: criteria provided, single submitter. Criteria: Invitae Variant Classification Sherloc (09022015). Collection method: clinical testing. Allele origin: germline.
Comment: In summary, the available evidence is currently insufficient to determine the role of this variant in disease. Therefore, it has been classified as a Variant of Uncertain Significance. Advanced modeling of protein sequence and biophysical properties (such as structural, functional, and spatial information, amino acid conservation, physicochemical variation, residue mobility, and thermodynamic stability) performed at Invitae indicates that this missense variant is not expected to disrupt MEN1 protein function. This variant has not been reported in the literature in individuals affected with MEN1-related conditions. This variant is not present in population databases (gnomAD no frequency). This sequence change replaces glycine, which is neutral and non-polar, with cysteine, which is neutral and slightly polar, at codon 509 of the MEN1 protein (p.Gly509Cys).